The following is an entry in ClinVar:

NM_001927.4(DES):c.518G>A (p.Arg173His)

Gene: DES (desmin; plus strand). Cytogenetic location: 2q35.
Variant type: single nucleotide variant.
Coding change: c.518G>A on transcript NM_001927.4 (MANE Select); coding-DNA position 518, G replaced by A.
Protein change: p.Arg173His; replaces arginine 173 with histidine.
Molecular consequence: missense variant. On other transcripts: intron variant (1).
Genome position (GRCh38, 1-based): chr2:219,418,980, G>A. VCF-style: chr2-219418980-G-A. GRCh37 (hg19) VCF-style: chr2-220283702-G-A.
Other names: c.518G>A, p.Arg173His (NM_001382708.1, NM_001382709.1, NM_001382710.1 and 2 more transcripts); c.495+23G>A (NM_001382713.1); short protein forms R173H.
Identifiers: ClinVar variation 1961713 (VCV001961713.5), dbSNP rs961874998, ClinGen allele CA65981288.

ClinVar aggregate classification (germline): Uncertain significance (1 of 4 stars; one submission).

Conditions:
Desmin-related myofibrillar myopathy (MFM1). Also called: Desminopathy; Desmin related myopathy (former name); Desmin storage myopathy (former name); MYOFIBRILLAR MYOPATHY WITH ARRHYTHMOGENIC RIGHT VENTRICULAR CARDIOMYOPATHY; DESMIN-RELATED MYOPATHY WITH ARRHYTHMOGENIC RIGHT VENTRICULAR CARDIOMYOPATHY; Myofibrillar myopathy 1. Identifiers: Orphanet 363543, Orphanet 98909, MedGen C1832370, MONDO:0011076, OMIM 601419.

Allele frequency attached by ClinVar (database versions not stated): gnomAD exomes below 0.00001.
gnomAD v4.1: 2 of 1,553,104 alleles (0.00013%); highest among the groups gnomAD compares: South Asian, 0.0012%; no homozygotes.

Submission:

Labcorp Genetics (formerly Invitae), Labcorp
Classification: Uncertain significance for Desmin-related myofibrillar myopathy. Last evaluated: 2025-06-12. Review status: criteria provided, single submitter. Criteria: Invitae Variant Classification Sherloc (09022015). Collection method: clinical testing. Allele origin: germline.
Comment: This sequence change replaces arginine, which is basic and polar, with histidine, which is basic and polar, at codon 173 of the DES protein (p.Arg173His). The frequency data for this variant in the population databases is considered unreliable, as metrics indicate poor data quality at this position in the gnomAD database. This variant has not been reported in the literature in individuals affected with DES-related conditions. ClinVar contains an entry for this variant (Variation ID: 1961713). Invitae Evidence Modeling of protein sequence and biophysical properties (such as structural, functional, and spatial information, amino acid conservation, physicochemical variation, residue mobility, and thermodynamic stability) has been performed for this missense variant. However, the output from this modeling did not meet the statistical confidence thresholds required to predict the impact of this variant on DES protein function. In summary, the available evidence is currently insufficient to determine the role of this variant in disease. Therefore, it has been classified as a Variant of Uncertain Significance.